The following is an entry in ClinVar:

NM_004444.5(EPHB4):c.1220C>T (p.Thr407Ile)

Gene: EPHB4 (EPH receptor B4; minus strand). Cytogenetic location: 7q22.1.
Variant type: single nucleotide variant.
Coding change: c.1220C>T on transcript NM_004444.5 (MANE Select); coding-DNA position 1220, C replaced by T.
Protein change: p.Thr407Ile; replaces threonine 407 with isoleucine.
Molecular consequence: missense variant.
Genome position (GRCh38, 1-based): chr7:100,819,634, G>A on the plus strand (C>T on the coding strand, the complement: EPHB4 is on the minus strand). VCF-style: chr7-100819634-G-A. GRCh37 (hg19) VCF-style: chr7-100417256-G-A.
Other names: short protein forms T407I.
Identifiers: ClinVar variation 4870547 (VCV004870547.1).
Genomic context (GRCh38, chr7:100,819,634, plus strand): 5'-ACATTGACAGGCTCAAATGGGACGGGCCCCGTGGCTAAGGAGGATACCCCGTTCAATGCA[G>A]TGACCTCAAAGGTATAGGTGAAGTCAGGACGTAGCCCTCGAACCACCACCCAGGGCTCCA-3'
Protein context (NP_004435.3, residues 397-417): RPDFTYTFEV[Thr407Ile]ALNGVSSLAT

ClinVar aggregate classification (germline): Uncertain significance (1 of 4 stars; one submission).

Conditions:
Cardiovascular phenotype. Identifiers: MedGen CN230736.

gnomAD v4.1: 1 of 1,610,092 alleles (0.000062%); highest among the groups gnomAD compares: Non-Finnish European, 0.000085%; no homozygotes.

Submission:

Ambry Genetics
Classification: Uncertain significance for Cardiovascular phenotype. Last evaluated: 2026-06-06. Review status: criteria provided, single submitter. Criteria: Ambry Variant Classification Scheme 2023. Collection method: clinical testing. Allele origin: germline.
Comment: The p.T407I variant (also known as c.1220C>T), located in coding exon 6 of the EPHB4 gene, results from a C to T substitution at nucleotide position 1220. The threonine at codon 407 is replaced by isoleucine, an amino acid with similar properties. This amino acid position is conserved. In addition, this alteration is predicted to be tolerated by in silico analysis. Based on the available evidence, the clinical significance of this variant remains unclear.